The following is an entry in ClinVar:

ClinVar aggregate classification (germline): Likely pathogenic (1 of 4 stars; one submission).

Conditions:
Maple syrup urine disease type 1A (MSUD1A). Also called: MSUD type 1A. Identifiers: MedGen C1855369, MONDO:0023691, OMIM 248600.

Submission:

Natera, Inc.
Classification: Likely pathogenic for Maple syrup urine disease type 1A. Last evaluated: 2024-12-11. Review status: criteria provided, single submitter. Criteria: Natera Variant Classification Schema (03/2026). Collection method: clinical testing. Allele origin: germline.
Comment: The c.109dup variant in BCKDHA is a frameshift variant predicted to shift the reading frame beginning at codon 37 and leads to a stop codon 14 codons downstream. This variant is expected to result in nonsense mediated decay, truncation, or a dysfunctional protein product. This variant is rare in the general population with a frequency below the threshold expected for the associated phenotype(s). Given the available evidence, this variant is classified as Likely Pathogenic.

NM_000709.4(BCKDHA):c.109dup (p.His37fs)

Gene: BCKDHA (branched chain keto acid dehydrogenase E1 subunit alpha; plus strand). Cytogenetic location: 19q13.2.
Variant type: Duplication.
Coding change: c.109dup on transcript NM_000709.4 (MANE Select); coding-DNA position 109, one base duplicated (C; older notation c.109dupC).
Protein change: p.His37fs; shifts the reading frame from histidine 37.
Molecular consequence: frameshift variant.
Genome position (GRCh38, 1-based): chr19:41,410,637, C duplicated. VCF-style (leftmost placement, unchanged base first): chr19-41410636-G-GC. GRCh37 (hg19) VCF-style: chr19-41916541-G-GC.
Other names: c.109dup, p.His37fs (NM_001164783.2); short protein forms H37fs.
Identifiers: ClinVar variation 4814464 (VCV004814464.2).